The following is an entry in ClinVar:

NM_000426.4(LAMA2):c.4960-16G>A

Gene: LAMA2 (laminin subunit alpha 2; plus strand). Cytogenetic location: 6q22.33.
Variant type: single nucleotide variant.
Coding change: c.4960-16G>A on transcript NM_000426.4 (MANE Select); 16 bases into the intron before coding-DNA position 4960, G replaced by A.
Molecular consequence: intron variant.
Genome position (GRCh38, 1-based): chr6:129,383,106, G>A. VCF-style: chr6-129383106-G-A. GRCh37 (hg19) VCF-style: chr6-129704251-G-A.
Other names: c.4960-16G>A (NM_001079823.2).
Identifiers: ClinVar variation 506640 (VCV000506640.15), dbSNP rs9483026, ClinGen allele CA3993739.

ClinVar aggregate classification (germline): Benign/Likely benign. Review status: criteria provided, multiple submitters, no conflicts (2 of 4 stars). 4 submissions from 4 submitters: Benign (1); Likely benign (2). 1 of the submissions does not count toward it. Last evaluated 2026-02-02.

Conditions:
LAMA2-related disorder. Also called: LAMA2-related disorders; LAMA2-related condition.
LAMA2-related muscular dystrophy (LAMA2-RD). Also called: Laminin alpha 2-related dystrophy. Identifiers: MedGen C5679788, MONDO:0100228.

Allele frequency attached by ClinVar (database versions not stated): gnomAD exomes 0.00014 and 0.00031; ExAC 0.00045; 1000 Genomes Project 0.00100; 1000 Genomes Project 30x 0.00109; gnomAD 0.00122 and 0.00133; ESP Exome Variant Server 0.00146; TOPMed 0.00146.
gnomAD v4.1: 390 of 1,604,880 alleles (0.024%); highest among the groups gnomAD compares: African/African-American, 0.43%; 1 homozygote.

Submissions (4):

Labcorp Genetics (formerly Invitae), Labcorp
Classification: Benign for LAMA2-related muscular dystrophy. Last evaluated: 2026-02-02. Review status: criteria provided, single submitter. Criteria: Invitae Variant Classification Sherloc (09022015). Collection method: clinical testing. Allele origin: germline.

Blueprint Genetics
Classification: Likely benign. Last evaluated: 2024-10-22. Review status: criteria provided, single submitter. Criteria: ACMG Guidelines, 2015. Collection method: clinical testing. Allele origin: germline.

GeneDx
Classification: Likely benign. Last evaluated: 2018-05-30. Review status: criteria provided, single submitter. Criteria: GeneDx Variant Classification Process June 2021. Collection method: clinical testing. Allele origin: germline. Affected: yes.

PreventionGenetics, part of Exact Sciences
Classification: Likely benign for LAMA2-related condition. Last evaluated: 2019-06-27. Review status: no assertion criteria provided. Collection method: clinical testing. Allele origin: germline. Not counted in ClinVar's aggregate classification.
Comment: This variant is classified as likely benign based on ACMG/AMP sequence variant interpretation guidelines (Richards et al. 2015 PMID: 25741868, with internal and published modifications).